The following is an entry in ClinVar:

NM_000051.4(ATM):c.8011-12T>C

Genes: ATM (ATM serine/threonine kinase; plus strand), C11orf65 (chromosome 11 open reading frame 65; minus strand). Cytogenetic location: 11q22.3.
Variant type: single nucleotide variant.
Coding change: c.8011-12T>C on transcript NM_000051.4 (MANE Select); 12 bases into the intron before coding-DNA position 8011, T replaced by C.
Molecular consequence: intron variant.
Genome position (GRCh38, 1-based): chr11:108,334,957, T>C. VCF-style: chr11-108334957-T-C. GRCh37 (hg19) VCF-style: chr11-108205684-T-C.
Other names: c.8011-12T>C (NM_001351834.2); c.641-25886A>G (NM_001330368.2); c.*38+263A>G (NM_001351110.2).
Identifiers: ClinVar variation 1574730 (VCV001574730.9), dbSNP rs2136651285, ClinGen allele CA2573146637.

ClinVar aggregate classification (germline): Likely benign. Review status: criteria provided, multiple submitters, no conflicts (2 of 4 stars). 2 submissions from 2 submitters: Likely benign (2). Last evaluated 2026-01-13.

Conditions:
Familial cancer of breast. Also called: BREAST CANCER, FAMILIAL; Hereditary breast cancer; hereditary breast carcinoma. Identifiers: Orphanet 227535, MedGen C0346153, MONDO:0016419, OMIM 114480. Disease mechanism: loss of function.
Ataxia-telangiectasia syndrome (AT). Also called: LOUIS-BAR SYNDROME; Cerebello-oculocutaneous telangiectasia; Immunodeficiency with ataxia telangiectasia; Ataxia telangiectasia (A-T); Ataxia-telangiectasia, complementation group D; AT, COMPLEMENTATION GROUP C. Identifiers: Orphanet 100, MedGen C0004135, MONDO:0008840, OMIM 208900.

Submissions (2):

Labcorp Genetics (formerly Invitae), Labcorp
Classification: Likely benign for Ataxia-telangiectasia syndrome. Last evaluated: 2026-01-13. Review status: criteria provided, single submitter. Criteria: Invitae Variant Classification Sherloc (09022015). Collection method: clinical testing. Allele origin: germline.

Myriad Genetics, Inc.
Classification: Likely benign for Familial cancer of breast. Last evaluated: 2024-06-18. Review status: criteria provided, single submitter. Criteria: Myriad Autosomal Dominant, Autosomal Recessive and X-Linked Classification Criteria (2023). Collection method: clinical testing. Allele origin: unknown.
Comment: This variant is considered likely benign. This variant is intronic and is not expected to impact mRNA splicing.